The following is an entry in ClinVar:

ClinVar aggregate classification (germline): Conflicting classifications of pathogenicity. Review status: criteria provided, conflicting classifications (1 of 4 stars). 2 submissions from 2 submitters: Uncertain significance (1); Benign (1). Last evaluated 2023-04-16.

Conditions:
X-linked distal spinal muscular atrophy type 3. Also called: ATP7A-Related Distal Motor Neuropathy; SPINAL MUSCULAR ATROPHY, DISTAL, X-LINKED RECESSIVE; NEURONOPATHY, DISTAL HEREDITARY MOTOR, X-LINKED; NEUROPATHY, DISTAL HEREDITARY MOTOR, X-LINKED. Identifiers: Orphanet 139557, MedGen C1845359, MONDO:0010338, OMIM 300489.
Menkes kinky-hair syndrome (MNK). Also called: Copper transport disease; Classic Menkes Disease; Menkes Disease. Identifiers: Orphanet 565, MedGen C0022716, MONDO:0010651, OMIM 309400.
Cutis laxa, X-linked (OHS). Also called: EDS IX; Occipital horn syndrome. Identifiers: Orphanet 198, MedGen C0268353, MONDO:0010572, OMIM 304150.

Allele frequency attached by ClinVar (database versions not stated): TOPMed below 0.00001; gnomAD 0.00001; gnomAD exomes 0.00001.
gnomAD v4.1: 1 of 1,208,228 alleles (0.000083%); highest among the groups gnomAD compares: African/African-American, 0.0018%; no homozygotes.

Submissions (2):

Labcorp Genetics (formerly Invitae), Labcorp
Classification: Benign for X-linked distal spinal muscular atrophy type 3; Cutis laxa, X-linked; Menkes kinky-hair syndrome. Last evaluated: 2023-04-16. Review status: criteria provided, single submitter. Criteria: Invitae Variant Classification Sherloc (09022015). Collection method: clinical testing. Allele origin: germline.

GeneDx
Classification: Uncertain significance. Last evaluated: 2015-12-23. Review status: criteria provided, single submitter. Criteria: GeneDx Variant Classification (06012015). Collection method: clinical testing. Allele origin: germline. Affected: yes.
Comment: The M665L variant has not been published as a pathogenic variant, nor has it been reported as a benign variant to our knowledge. It was not observed in approximately 6,500 individuals of European and African American ancestry in the NHLBI Exome Sequencing Project, indicating it is not a common benign variant in these populations. This substitution occurs at a position that is conserved across species. However, the M665L variant is a conservative amino acid substitution, which is not likely to impact secondary protein structure as these residues share similar properties, and in silico analysis is inconsistent in its predictions as to whether or not the variant is damaging to the protein structure/function protein. Therefore, based on the currently available information, it is unclear whether this variant is a pathogenic variant or a rare benign variant

NM_000052.7(ATP7A):c.1993A>C (p.Met665Leu)

Gene: ATP7A (ATPase copper transporting alpha; plus strand). Cytogenetic location: Xq21.1.
Variant type: single nucleotide variant.
Coding change: c.1993A>C on transcript NM_000052.7 (MANE Select); coding-DNA position 1993, A replaced by C.
Protein change: p.Met665Leu; replaces methionine 665 with leucine.
Molecular consequence: missense variant.
Genome position (GRCh38, 1-based): chrX:78,011,495, A>C. VCF-style: chrX-78011495-A-C. GRCh37 (hg19) VCF-style: chrX-77266992-A-C.
Other names: c.1993A>C, p.Met665Leu (NM_001282224.2); short protein forms M665L.
Identifiers: ClinVar variation 246211 (VCV000246211.7), dbSNP rs879254156, ClinGen allele CA10584646.